The following is an entry in ClinVar:

NM_018685.5(ANLN):c.601C>T (p.Arg201Cys)

Gene: ANLN (anillin, actin binding protein; plus strand). Cytogenetic location: 7p14.2.
Variant type: single nucleotide variant.
Coding change: c.601C>T on transcript NM_018685.5 (MANE Select); coding-DNA position 601, C replaced by T.
Protein change: p.Arg201Cys; replaces arginine 201 with cysteine.
Molecular consequence: missense variant.
Genome position (GRCh38, 1-based): chr7:36,406,294, C>T. VCF-style: chr7-36406294-C-T. GRCh37 (hg19) VCF-style: chr7-36445903-C-T.
Other names: c.601C>T, p.Arg201Cys (NM_001284301.3, NM_001284302.3); short protein forms R201C.
Identifiers: ClinVar variation 1355606 (VCV001355606.6), dbSNP rs1787184711, ClinGen allele CA367206715.
Genomic context (GRCh38, chr7:36,406,294, plus strand): 5'-GCTTCCCCTCCCAGACCTCTGCTTTCAAATGCCTCGGCAACTCCAGTTGGCAGAAGGGGC[C>T]GTCTGGCCAATCTTGCTGCAACTATTTGCTCCTGGGAAGATGATGTAAATCACTCATTTG-3'
Protein context (NP_061155.2, residues 191-211): ASATPVGRRG[Arg201Cys]LANLAATICS

ClinVar aggregate classification (germline): Uncertain significance (1 of 4 stars; one submission).

Allele frequency attached by ClinVar (database versions not stated): gnomAD exomes 0.00001.
gnomAD v4.1: 13 of 1,614,146 alleles (0.00081%); highest among the groups gnomAD compares: Non-Finnish European, 0.001%; no homozygotes.

Submission:

Labcorp Genetics (formerly Invitae), Labcorp
Classification: Uncertain significance. Last evaluated: 2023-05-31. Review status: criteria provided, single submitter. Criteria: Invitae Variant Classification Sherloc (09022015). Collection method: clinical testing. Allele origin: germline.
Comment: In summary, the available evidence is currently insufficient to determine the role of this variant in disease. Therefore, it has been classified as a Variant of Uncertain Significance. An algorithm developed to predict the effect of missense changes on protein structure and function (PolyPhen-2) suggests that this variant is likely to be disruptive. ClinVar contains an entry for this variant (Variation ID: 1355606). This variant has not been reported in the literature in individuals affected with ANLN-related conditions. This variant is not present in population databases (gnomAD no frequency). This sequence change replaces arginine, which is basic and polar, with cysteine, which is neutral and slightly polar, at codon 201 of the ANLN protein (p.Arg201Cys).